The following is an entry in ClinVar:

NM_001852.4(COL9A2):c.1741G>A (p.Val581Ile)

Gene: COL9A2 (collagen type IX alpha 2 chain; minus strand). Cytogenetic location: 1p34.2.
Variant type: single nucleotide variant.
Coding change: c.1741G>A on transcript NM_001852.4 (MANE Select); coding-DNA position 1741, G replaced by A.
Protein change: p.Val581Ile; replaces valine 581 with isoleucine.
Molecular consequence: missense variant.
Genome position (GRCh38, 1-based): chr1:40,302,672, C>T on the plus strand (G>A on the coding strand, the complement: COL9A2 is on the minus strand). VCF-style: chr1-40302672-C-T. GRCh37 (hg19) VCF-style: chr1-40768344-C-T.
Other names: short protein forms V581I.
Identifiers: ClinVar variation 196620 (VCV000196620.27), dbSNP rs3737821, ClinGen allele CA202479.
Genomic context (GRCh38, chr1:40,302,672, plus strand): 5'-AGCACTCACCCTTGGGCCCCGTGTTGCCGATCTGACCCACGGCTCCCACGATGCCAGGAA[C>T]GCCCCGAGGGCCAGGGTGCCCATGGGGGCCCTGCTTGCCTGGGTACCCAGGGGGCCCAGG-3'
Protein context (NP_001843.1, residues 571-591): GPHGHPGPRG[Val581Ile]PGIVGAVGQI

ClinVar aggregate classification (germline): Benign/Likely benign. Review status: criteria provided, multiple submitters, no conflicts (2 of 4 stars). 13 submissions from 13 submitters: Benign (9); Likely benign (1). 3 of the submissions do not count toward it. Last evaluated 2026-05-09.

Conditions:
Epiphyseal dysplasia, multiple, 2 (EDM2). Also called: COL9A2-Related Multiple Epiphyseal Dysplasia. Identifiers: MedGen C1838429, MONDO:0010844, OMIM 600204.

Allele frequency attached by ClinVar (database versions not stated): ExAC 0.06433; ESP Exome Variant Server 0.06489; gnomAD 0.06538 and 0.06797; 1000 Genomes Project 0.06629; 1000 Genomes Project 30x 0.06761; TOPMed 0.07047.
gnomAD v4.1: 47,080 of 1,600,116 alleles (2.9%); highest among the groups gnomAD compares: African/African-American, 17%; 1,677 homozygotes.

Submissions (13):

Women's Health and Genetics/Laboratory Corporation of America, LabCorp
Classification: Likely benign. Last evaluated: 2026-05-09. Review status: criteria provided, single submitter. Criteria: LabCorp Variant Classification Summary - May 2015. Collection method: clinical testing. Allele origin: germline.

Labcorp Genetics (formerly Invitae), Labcorp
Classification: Benign. Last evaluated: 2026-02-04. Review status: criteria provided, single submitter. Criteria: Invitae Variant Classification Sherloc (09022015). Collection method: clinical testing. Allele origin: germline.

Blueprint Genetics
Classification: Benign. Last evaluated: 2024-11-26. Review status: criteria provided, single submitter. Criteria: ACMG Guidelines, 2015. Collection method: clinical testing. Allele origin: germline.

Mayo Clinic Laboratories, Mayo Clinic
Classification: Benign. Last evaluated: 2020-10-02. Review status: criteria provided, single submitter. Criteria: ACMG Guidelines, 2015. Collection method: clinical testing. Allele origin: germline. Observed: 12 variant alleles.

Athena Diagnostics
Classification: Benign. Last evaluated: 2019-02-15. Review status: criteria provided, single submitter. Criteria: Athena Diagnostics Criteria. Collection method: clinical testing. Allele origin: germline.

Illumina Laboratory Services, Illumina
Classification: Benign for Epiphyseal dysplasia, multiple, 2. Last evaluated: 2018-01-12. Review status: criteria provided, single submitter. Criteria: ICSL Variant Classification Criteria 13 December 2019. Collection method: clinical testing. Allele origin: germline.
Comment: This variant was observed in the ICSL laboratory as part of a predisposition screen in an ostensibly healthy population. It had not been previously curated by ICSL or reported in the Human Gene Mutation Database (HGMD: prior to June 1st, 2018), and was therefore a candidate for classification through an automated scoring system. Utilizing variant allele frequency, disease prevalence and penetrance estimates, and inheritance mode, an automated score was calculated to assess if this variant is too frequent to cause the disease. Based on the score and internal cut-off values, a variant classified as benign is not then subjected to further curation. The score for this variant resulted in a classification of benign for this disease.

GeneDx
Classification: Benign. Last evaluated: 2016-10-10. Review status: criteria provided, single submitter. Criteria: GeneDx Variant Classification (06012015). Collection method: clinical testing. Allele origin: germline. Affected: yes.
Comment: This variant is considered likely benign or benign based on one or more of the following criteria: it is a conservative change, it occurs at a poorly conserved position in the protein, it is predicted to be benign by multiple in silico algorithms, and/or has population frequency not consistent with disease.

Eurofins Ntd Llc (ga)
Classification: Benign. Last evaluated: 2015-02-04. Review status: criteria provided, single submitter. Criteria: EGL Classification Definitions 2015. Collection method: clinical testing. Allele origin: germline. Observed: 1 variant allele, 1 heterozygote.

Breakthrough Genomics
Classification: Benign. Review status: criteria provided, single submitter. Criteria: ACMG Guidelines, 2015. Collection method: not provided. Allele origin: germline. Inheritance: Autosomal recessive inheritance. Affected: yes.

PreventionGenetics, part of Exact Sciences
Classification: Benign. Review status: criteria provided, single submitter. Criteria: ACMG Guidelines, 2015. Collection method: clinical testing. Allele origin: germline.

Genome Diagnostics Laboratory, Amsterdam University Medical Center
Classification: Benign. Review status: no assertion criteria provided. Collection method: clinical testing. Allele origin: germline. Affected: yes. Study: VKGL Data-share Consensus. Not counted in ClinVar's aggregate classification.

Joint Genome Diagnostic Labs from Nijmegen and Maastricht, Radboudumc and MUMC+
Classification: Benign. Review status: no assertion criteria provided. Collection method: clinical testing. Allele origin: germline. Affected: yes. Study: VKGL Data-share Consensus. Not counted in ClinVar's aggregate classification.

Laboratory of Diagnostic Genome Analysis, Leiden University Medical Center (LUMC)
Classification: Likely benign. Review status: no assertion criteria provided. Collection method: clinical testing. Allele origin: germline. Affected: yes. Study: VKGL Data-share Consensus. Not counted in ClinVar's aggregate classification.